The following is an entry in ClinVar:

NM_004006.3(DMD):c.4926G>C (p.Leu1642Phe)

Gene: DMD (dystrophin; minus strand). Cytogenetic location: Xp21.1.
Variant type: single nucleotide variant.
Coding change: c.4926G>C on transcript NM_004006.3 (MANE Select); coding-DNA position 4926, G replaced by C.
Protein change: p.Leu1642Phe; replaces leucine 1642 with phenylalanine.
Molecular consequence: missense variant.
Genome position (GRCh38, 1-based): chrX:32,365,119, C>G on the plus strand (G>C on the coding strand, the complement: DMD is on the minus strand). VCF-style: chrX-32365119-C-G. GRCh37 (hg19) VCF-style: chrX-32383236-C-G.
Other names: c.4902G>C, p.Leu1634Phe (NM_000109.4); c.4914G>C, p.Leu1638Phe (NM_004009.3); c.4557G>C, p.Leu1519Phe (NM_004010.3); c.903G>C, p.Leu301Phe (NM_004011.4); c.894G>C, p.Leu298Phe (NM_004012.4); short protein forms L1519F, L1634F, L1638F, L1642F, L298F, L301F.
Identifiers: ClinVar variation 1064318 (VCV001064318.9), dbSNP rs2147260154, ClinGen allele CA412672153.

ClinVar aggregate classification (germline): Uncertain significance (1 of 4 stars; one submission).

Conditions:
Duchenne muscular dystrophy (DMD). Also called: MUSCULAR DYSTROPHY, PSEUDOHYPERTROPHIC PROGRESSIVE, DUCHENNE TYPE; Duchenne Muscular Dystrophy (DMD). Identifiers: Orphanet 98896, MedGen C0013264, MONDO:0010679, OMIM 310200.

Submission:

Labcorp Genetics (formerly Invitae), Labcorp
Classification: Uncertain significance for Duchenne muscular dystrophy. Last evaluated: 2020-06-10. Review status: criteria provided, single submitter. Criteria: Invitae Variant Classification Sherloc (09022015). Collection method: clinical testing. Allele origin: germline.
Comment: Algorithms developed to predict the effect of missense changes on protein structure and function are either unavailable or do not agree on the potential impact of this missense change (SIFT: "Deleterious"; PolyPhen-2: "Possibly Damaging"; Align-GVGD: "Class C0"). This variant has not been reported in the literature in individuals with DMD-related conditions. This variant is not present in population databases (ExAC no frequency). This sequence change replaces leucine with phenylalanine at codon 1642 of the DMD protein (p.Leu1642Phe). The leucine residue is highly conserved and there is a small physicochemical difference between leucine and phenylalanine. In summary, the available evidence is currently insufficient to determine the role of this variant in disease. Therefore, it has been classified as a Variant of Uncertain Significance.